The following is an entry in ClinVar:

ClinVar aggregate classification (germline): Uncertain significance (1 of 4 stars; one submission).

Submission:

GeneDx
Classification: Uncertain significance. Last evaluated: 2020-10-26. Review status: criteria provided, single submitter. Criteria: GeneDx Variant Classification Process June 2021. Collection method: clinical testing. Allele origin: germline. Affected: yes.
Comment: Not observed in large population cohorts (Lek et al., 2016); In-frame deletion of 4 amino acids in a non-repeat region; In silico analysis supports a deleterious effect on protein structure/function; Has not been previously published as pathogenic or benign to our knowledge

NM_004958.4(MTOR):c.6075_6086del (p.Met2026_Glu2029del)

Gene: MTOR (mechanistic target of rapamycin kinase; minus strand). Cytogenetic location: 1p36.22.
Variant type: Deletion.
Coding change: c.6075_6086del on transcript NM_004958.4 (MANE Select); coding-DNA positions 6075 to 6086, 12 bases deleted (GATGTGGCATGA).
Protein change: p.Met2026_Glu2029del.
Molecular consequence: inframe deletion.
Genome position (GRCh38, 1-based): chr1:11,127,754-11,127,765, TCATGCCACATC deleted on the plus strand (GATGTGGCATGA on the coding strand, the reverse complement: MTOR is on the minus strand); deleting any 12 consecutive bases within chr1:11,127,754-11,127,773 gives the same sequence; the c. name uses the placement nearest the transcript's 3' end. VCF-style (leftmost placement, unchanged base first): chr1-11127753-TTCATGCCACATC-T. GRCh37 (hg19) VCF-style: chr1-11187810-TTCATGCCACATC-T.
Other names: c.6075_6086del, p.Met2026_Glu2029del (NM_001386500.1); c.4827_4838del, p.Met1610_Glu1613del (NM_001386501.1).
Identifiers: ClinVar variation 1307368 (VCV001307368.2), dbSNP rs2100408736, ClinGen allele CA2573051338.